The following is an entry in ClinVar:

ClinVar aggregate classification (germline): Uncertain significance (1 of 4 stars; one submission).

Conditions:
Von Hippel-Lindau syndrome (VHLS). Also called: von Hippel–Lindau syndrome; VHL syndrome; Von Hippel-Lindau. Identifiers: Orphanet 892, MedGen C0019562, MONDO:0008667, OMIM 193300. Disease mechanism: loss of function.
Chuvash polycythemia. Also called: POLYCYTHEMIA, VHL-DEPENDENT. Identifiers: Orphanet 238557, MedGen C1837915, MONDO:0009892, OMIM 263400.

Submission:

Labcorp Genetics (formerly Invitae), Labcorp
Classification: Uncertain significance for Von Hippel-Lindau syndrome; Chuvash polycythemia. Last evaluated: 2023-04-24. Review status: criteria provided, single submitter. Criteria: Invitae Variant Classification Sherloc (09022015). Collection method: clinical testing. Allele origin: germline.
Comment: Several studies have shown that the VHL protein created from a downstream methionine located at codon 54 is biologically active, and exhibits properties similar to the full-length, wild-type protein (PMID: 9671762, 9751722). In summary, the available evidence is currently insufficient to determine the role of this variant in disease. Therefore, it has been classified as a Variant of Uncertain Significance. This variant has not been reported in the literature in individuals affected with VHL-related conditions. This variant is not present in population databases (gnomAD no frequency). This sequence change creates a premature translational stop signal (p.Glu36Glyfs*93) in the VHL gene. It is unclear whether it will result in an absent or disrupted protein product because an in-frame methionine located at codon 54 has the potential to rescue this variant.

Literature cited by the submitters: PubMed 9671762; PubMed 9751722.

NM_000551.4(VHL):c.107_114del (p.Glu36fs)

Gene: VHL (von Hippel-Lindau tumor suppressor; plus strand). Cytogenetic location: 3p25.3.
Variant type: Deletion.
Coding change: c.107_114del on transcript NM_000551.4 (MANE Select); coding-DNA positions 107 to 114, 8 bases deleted (AGGAGTCC; older notation c.107_114delAGGAGTCC).
Protein change: p.Glu36fs; shifts the reading frame from glutamic acid 36.
Molecular consequence: frameshift variant. On other transcripts: non-coding transcript variant (1).
Genome position (GRCh38, 1-based): chr3:10,141,954-10,141,961, AGGAGTCC deleted. VCF-style (leftmost placement, unchanged base first): chr3-10141953-GAGGAGTCC-G. GRCh37 (hg19) VCF-style: chr3-10183637-GAGGAGTCC-G.
Other names: c.107_114del, p.Glu36fs (NM_001354723.2, NM_198156.3); short protein forms E36fs.
Identifiers: ClinVar variation 2947050 (VCV002947050.3), dbSNP rs2470157510, ClinGen allele CA2740090899.